The following is an entry in ClinVar:

ClinVar aggregate classification (germline): Uncertain significance (1 of 4 stars; one submission).

Conditions:
Inborn genetic diseases. Identifiers: MedGen C0950123, MeSH D030342.

Submission:

Ambry Genetics
Classification: Uncertain significance for Inborn genetic diseases. Last evaluated: 2025-10-16. Review status: criteria provided, single submitter. Criteria: Ambry Variant Classification Scheme 2023. Collection method: clinical testing. Allele origin: germline.
Comment: The p.E194A variant (also known as c.581A>C), located in coding exon 5 of the USB1 gene, results from an A to C substitution at nucleotide position 581. The glutamic acid at codon 194 is replaced by alanine, an amino acid with dissimilar properties. This amino acid position is conserved. In addition, this alteration is predicted to be tolerated by in silico analysis. Based on the available evidence, the clinical significance of this variant remains unclear.

NM_024598.4(USB1):c.581A>C (p.Glu194Ala)

Gene: USB1 (U6 snRNA biogenesis phosphodiesterase 1; plus strand). Cytogenetic location: 16q21.
Variant type: single nucleotide variant.
Coding change: c.581A>C on transcript NM_024598.4 (MANE Select); coding-DNA position 581, A replaced by C.
Protein change: p.Glu194Ala; replaces glutamic acid 194 with alanine.
Molecular consequence: missense variant.
Genome position (GRCh38, 1-based): chr16:58,017,411, A>C. VCF-style: chr16-58017411-A-C. GRCh37 (hg19) VCF-style: chr16-58051315-A-C.
Other names: c.527A>C, p.Glu176Ala (NM_001195302.2); c.428A>C, p.Glu143Ala (NM_001330568.2); short protein forms E194A, E143A, E176A.
Identifiers: ClinVar variation 4634193 (VCV004634193.1).
Genomic context (GRCh38, chr16:58,017,411, plus strand): 5'-AGGTCACTTCAGGGCATGCCCAGTTCCTGGACCTGGTTTCAGAGGTGGACAGAGTCATGG[A>C]GGAATTCAACCTCACCACTTTCTACCAGGTAATGAATGGGGCTGCTGCTTCTCCATTGAC-3'
Protein context (NP_078874.2, residues 184-204): DLVSEVDRVM[Glu194Ala]EFNLTTFYQD